The following is an entry in ClinVar:

NM_172362.3(KCNH1):c.2139G>T (p.Val713=)

Gene: KCNH1 (potassium voltage-gated channel subfamily H member 1; minus strand). Cytogenetic location: 1q32.2.
Variant type: single nucleotide variant.
Coding change: c.2139G>T on transcript NM_172362.3 (MANE Select); coding-DNA position 2139, G replaced by T.
Protein change: p.Val713=; no amino-acid change (valine 713 retained).
Molecular consequence: synonymous variant.
Genome position (GRCh38, 1-based): chr1:210,684,112, C>A on the plus strand (G>T on the coding strand, the complement: KCNH1 is on the minus strand). VCF-style: chr1-210684112-C-A. GRCh37 (hg19) VCF-style: chr1-210857454-C-A.
Other names: c.2139G>T (NM_172362.2); c.2058G>T, p.Val686= (NM_002238.4).
Identifiers: ClinVar variation 1670403 (VCV001670403.9), dbSNP rs760803072, ClinGen allele CA1379750.

ClinVar aggregate classification (germline): Likely benign. Review status: criteria provided, single submitter (1 of 4 stars). 2 submissions from 2 submitters: Likely benign (1). 1 of the submissions does not count toward it. Last evaluated 2025-06-29.

Conditions:
KCNH1-related disorder. Also called: KCNH1-related disorders; KCNH1-related condition.

Allele frequency attached by ClinVar (database versions not stated): gnomAD exomes 0.00002 and 0.00003; ExAC 0.00003; gnomAD 0.00004; TOPMed 0.00005.
gnomAD v4.1: 40 of 1,512,362 alleles (0.0026%); highest among the groups gnomAD compares: Non-Finnish European, 0.00044%; no homozygotes.

Submissions (2):

Labcorp Genetics (formerly Invitae), Labcorp
Classification: Likely benign. Last evaluated: 2025-06-29. Review status: criteria provided, single submitter. Criteria: Invitae Variant Classification Sherloc (09022015). Collection method: clinical testing. Allele origin: germline.

PreventionGenetics, part of Exact Sciences
Classification: Likely benign for KCNH1-related condition. Last evaluated: 2019-11-16. Review status: no assertion criteria provided. Collection method: clinical testing. Allele origin: germline. Not counted in ClinVar's aggregate classification.
Comment: This variant is classified as likely benign based on ACMG/AMP sequence variant interpretation guidelines (Richards et al. 2015 PMID: 25741868, with internal and published modifications).